The following is an entry in ClinVar:

NM_181426.2(CCDC39):c.1198G>A (p.Gly400Ser)

Gene: CCDC39 (coiled-coil domain 39 molecular ruler complex subunit; minus strand). Cytogenetic location: 3q26.33.
Variant type: single nucleotide variant.
Coding change: c.1198G>A on transcript NM_181426.2 (MANE Select); coding-DNA position 1198, G replaced by A.
Protein change: p.Gly400Ser; replaces glycine 400 with serine.
Molecular consequence: missense variant.
Genome position (GRCh38, 1-based): chr3:180,648,329, C>T on the plus strand (G>A on the coding strand, the complement: CCDC39 is on the minus strand). VCF-style: chr3-180648329-C-T. GRCh37 (hg19) VCF-style: chr3-180366117-C-T.
Other names: short protein forms G400S.
Identifiers: ClinVar variation 856866 (VCV000856866.15), dbSNP rs147383873, ClinGen allele CA355310985.

ClinVar aggregate classification (germline): Uncertain significance (1 of 4 stars; one submission).

Conditions:
Primary ciliary dyskinesia. Also called: Ciliary dyskinesia. Identifiers: Orphanet 244, MedGen C0008780, MONDO:0016575, HP:0012265.

gnomAD v4.1: 3 of 1,589,508 alleles (0.00019%); highest among the groups gnomAD compares: Non-Finnish European, 0.00017%; no homozygotes.

Submission:

Labcorp Genetics (formerly Invitae), Labcorp
Classification: Uncertain significance for Primary ciliary dyskinesia. Last evaluated: 2021-08-31. Review status: criteria provided, single submitter. Criteria: Invitae Variant Classification Sherloc (09022015). Collection method: clinical testing. Allele origin: germline.
Comment: This sequence change replaces glycine with serine at codon 400 of the CCDC39 protein (p.Gly400Ser). The glycine residue is weakly conserved and there is a small physicochemical difference between glycine and serine. This variant is not present in population databases (ExAC no frequency). This variant has not been reported in the literature in individuals affected with CCDC39-related conditions. Algorithms developed to predict the effect of missense changes on protein structure and function (SIFT, PolyPhen-2, Align-GVGD) all suggest that this variant is likely to be tolerated. In summary, the available evidence is currently insufficient to determine the role of this variant in disease. Therefore, it has been classified as a Variant of Uncertain Significance.